The following is an entry in ClinVar:

NM_006269.2(RP1):c.5801G>A (p.Gly1934Glu)

Genes: RP1 (RP1 axonemal microtubule associated; plus strand), LOC126860392 (CDK7 strongly-dependent group 2 enhancer GRCh37_chr8:55541319-55542518; plus strand). Cytogenetic location: 8q12.1.
Variant type: single nucleotide variant.
Coding change: c.5801G>A on transcript NM_006269.2 (MANE Select); coding-DNA position 5801, G replaced by A.
Protein change: p.Gly1934Glu; replaces glycine 1934 with glutamic acid.
Molecular consequence: missense variant.
Genome position (GRCh38, 1-based): chr8:54,629,683, G>A. VCF-style: chr8-54629683-G-A. GRCh37 (hg19) VCF-style: chr8-55542243-G-A.
Other names: short protein forms G1934E.
Identifiers: ClinVar variation 1394064 (VCV001394064.6), dbSNP rs267601953, ClinGen allele CA177184104.

ClinVar aggregate classification (germline): Uncertain significance (1 of 4 stars; one submission).

Allele frequency attached by ClinVar (database versions not stated): gnomAD exomes below 0.00001.
gnomAD v4.1: 2 of 1,613,588 alleles (0.00012%); highest among the groups gnomAD compares: East Asian, 0.0022%; no homozygotes.

Submission:

Labcorp Genetics (formerly Invitae), Labcorp
Classification: Uncertain significance. Last evaluated: 2022-10-17. Review status: criteria provided, single submitter. Criteria: Invitae Variant Classification Sherloc (09022015). Collection method: clinical testing. Allele origin: germline.
Comment: ClinVar contains an entry for this variant (Variation ID: 1394064). In summary, the available evidence is currently insufficient to determine the role of this variant in disease. Therefore, it has been classified as a Variant of Uncertain Significance. Algorithms developed to predict the effect of missense changes on protein structure and function are either unavailable or do not agree on the potential impact of this missense change (SIFT: "Deleterious"; PolyPhen-2: "Probably Damaging"; Align-GVGD: "Class C0"). This variant has not been reported in the literature in individuals affected with RP1-related conditions. This variant is not present in population databases (gnomAD no frequency). This sequence change replaces glycine, which is neutral and non-polar, with glutamic acid, which is acidic and polar, at codon 1934 of the RP1 protein (p.Gly1934Glu).